The following is an entry in ClinVar:

NM_022817.3(PER2):c.261A>C (p.Lys87Asn)

Gene: PER2 (period circadian regulator 2; minus strand). Cytogenetic location: 2q37.3.
Variant type: single nucleotide variant.
Coding change: c.261A>C on transcript NM_022817.3 (MANE Select); coding-DNA position 261, A replaced by C.
Protein change: p.Lys87Asn; replaces lysine 87 with asparagine.
Molecular consequence: missense variant.
Genome position (GRCh38, 1-based): chr2:238,277,163, T>G on the plus strand (A>C on the coding strand, the complement: PER2 is on the minus strand). VCF-style: chr2-238277163-T-G. GRCh37 (hg19) VCF-style: chr2-239185804-T-G.
Other names: short protein forms K87N.
Identifiers: ClinVar variation 3049617 (VCV003049617.3), dbSNP rs143743066, ClinGen allele CA2197849.

ClinVar aggregate classification (germline): Uncertain significance. Review status: criteria provided, single submitter (1 of 4 stars). 2 submissions from 2 submitters: Uncertain significance (1). 1 of the submissions does not count toward it. Last evaluated 2025-08-14.

Conditions:
PER2-related disorder. Also called: PER2-related condition.

Allele frequency attached by ClinVar (database versions not stated): gnomAD exomes 0.00007; ExAC 0.00030; 1000 Genomes Project 30x 0.00047; 1000 Genomes Project 0.00060; gnomAD 0.00087; ESP Exome Variant Server 0.00177.
gnomAD v4.1: 245 of 1,613,492 alleles (0.015%); highest among the groups gnomAD compares: African/African-American, 0.3%; 1 homozygote.

Submissions (2):

Ambry Genetics
Classification: Uncertain significance. Last evaluated: 2025-08-14. Review status: criteria provided, single submitter. Criteria: Ambry Variant Classification Scheme 2023. Collection method: clinical testing. Allele origin: germline.

PreventionGenetics, part of Exact Sciences
Classification: Likely benign for PER2-related condition. Last evaluated: 2019-07-30. Review status: no assertion criteria provided. Collection method: clinical testing. Allele origin: germline. Not counted in ClinVar's aggregate classification.
Comment: This variant is classified as likely benign based on ACMG/AMP sequence variant interpretation guidelines (Richards et al. 2015 PMID: 25741868, with internal and published modifications).